The following is an entry in ClinVar:

ClinVar aggregate classification (germline): Uncertain significance (1 of 4 stars; one submission).

Conditions:
Cardiac arrhythmia. Also called: Cardiac rhythm disease; Arrhythmia. Identifiers: MedGen C0003811, MONDO:0007263, HP:0011675.

Allele frequency attached by ClinVar (database versions not stated): gnomAD exomes below 0.00001.
gnomAD v4.1: 1 of 1,557,474 alleles (0.000064%); highest among the groups gnomAD compares: Non-Finnish European, 0.000087%; no homozygotes.

Submission:

Color Diagnostics, LLC DBA Color Health
Classification: Uncertain significance for Cardiac arrhythmia. Last evaluated: 2024-03-06. Review status: criteria provided, single submitter. Criteria: ACMG Guidelines, 2015. Collection method: clinical testing. Allele origin: germline.
Comment: This missense variant replaces alanine with threonine at codon 1116 of the KCNH2 protein. Computational prediction tool is inconclusive regarding the impact of this variant on protein structure and function (internally defined REVEL score threshold 0.5 < inconclusive < 0.7, PMID: 27666373). Splice site prediction tools suggest that this variant may not impact RNA splicing. To our knowledge, functional studies have not been performed for this variant. This variant has not been reported in individuals affected with cardiovascular disorders in the literature. This variant has not been identified in the general population by the Genome Aggregation Database (gnomAD). The available evidence is insufficient to determine the role of this variant in disease conclusively. Therefore, this variant is classified as a Variant of Uncertain Significance.

NM_000238.4(KCNH2):c.3346G>A (p.Ala1116Thr)

Gene: KCNH2 (potassium voltage-gated channel subfamily H member 2; minus strand). Cytogenetic location: 7q36.1.
Variant type: single nucleotide variant.
Coding change: c.3346G>A on transcript NM_000238.4 (MANE Select); coding-DNA position 3346, G replaced by A.
Protein change: p.Ala1116Thr; replaces alanine 1116 with threonine.
Molecular consequence: missense variant.
Genome position (GRCh38, 1-based): chr7:150,945,499, C>T on the plus strand (G>A on the coding strand, the complement: KCNH2 is on the minus strand). VCF-style: chr7-150945499-C-T. GRCh37 (hg19) VCF-style: chr7-150642587-C-T.
Other names: c.2326G>A, p.Ala776Thr (NM_172057.3); short protein forms A776T, A1116T.
Identifiers: ClinVar variation 918904 (VCV000918904.6), dbSNP rs1800858723, ClinGen allele CA369851599.